The following is an entry in ClinVar:

ClinVar aggregate classification (germline): Uncertain significance (0 of 4 stars; one submission).

Conditions:
SDCCAG8-related disorder. Also called: SDCCAG8-related condition; SDCCAG8-Related Disorders.

gnomAD v4.1: 1 of 1,612,532 alleles (0.000062%); highest among the groups gnomAD compares: Non-Finnish European, 0.000085%; no homozygotes.

Submission:

PreventionGenetics, part of Exact Sciences
Classification: Uncertain significance for SDCCAG8-related condition. Last evaluated: 2024-07-22. Review status: no assertion criteria provided. Collection method: clinical testing. Allele origin: germline.
Comment: The SDCCAG8 c.2098C>G variant is predicted to result in the amino acid substitution p.Arg700Gly. To our knowledge, this variant has not been reported in the literature or in a large population database, indicating this variant is rare. At this time, the clinical significance of this variant is uncertain due to the absence of conclusive functional and genetic evidence.

NM_006642.5(SDCCAG8):c.2098C>G (p.Arg700Gly)

Genes: AKT3 (AKT serine/threonine kinase 3; minus strand), SDCCAG8 (SHH signaling and ciliogenesis regulator SDCCAG8; plus strand). Cytogenetic location: 1q43.
Variant type: single nucleotide variant.
Coding change: c.2098C>G on transcript NM_006642.5 (MANE Select); coding-DNA position 2098, C replaced by G.
Protein change: p.Arg700Gly; replaces arginine 700 with glycine.
Molecular consequence: missense variant. On other transcripts: intron variant (1).
Genome position (GRCh38, 1-based): chr1:243,489,126, C>G. VCF-style: chr1-243489126-C-G. GRCh37 (hg19) VCF-style: chr1-243652428-C-G.
Other names: c.1195C>G, p.Arg399Gly (NM_001350246.2, NM_001350247.2, NM_001350251.2); c.2194C>G, p.Arg732Gly (NM_001350248.2); c.1804C>G, p.Arg602Gly (NM_001350249.2); c.*7-676G>C (NM_181690.2); short protein forms R399G, R602G, R700G, R732G.
Identifiers: ClinVar variation 3347903 (VCV003347903.1).